The following is an entry in ClinVar:

NM_000883.4(IMPDH1):c.853A>T (p.Ile285Phe)

Gene: IMPDH1 (inosine monophosphate dehydrogenase 1; minus strand). Cytogenetic location: 7q32.1.
Variant type: single nucleotide variant.
Coding change: c.853A>T on transcript NM_000883.4 (MANE Select); coding-DNA position 853, A replaced by T.
Protein change: p.Ile285Phe; replaces isoleucine 285 with phenylalanine.
Molecular consequence: missense variant.
Genome position (GRCh38, 1-based): chr7:128,400,116, T>A on the plus strand (A>T on the coding strand, the complement: IMPDH1 is on the minus strand). VCF-style: chr7-128400116-T-A. GRCh37 (hg19) VCF-style: chr7-128040170-T-A.
Other names: c.823A>T, p.Ile275Phe (NM_001102605.2); c.598A>T, p.Ile200Phe (NM_001142573.2); c.583A>T, p.Ile195Phe (NM_001142574.2); c.523A>T, p.Ile175Phe (NM_001142575.2); c.754A>T, p.Ile252Phe (NM_001142576.2); c.646A>T, p.Ile216Phe (NM_001304521.2); c.745A>T, p.Ile249Phe (NM_183243.3); short protein forms I275F, I195F, I200F, I216F, I285F, I175F, I249F, I252F.
Identifiers: ClinVar variation 4695887 (VCV004695887.1).

ClinVar aggregate classification (germline): Uncertain significance (1 of 4 stars; one submission).

gnomAD v4.1: 1 of 1,613,494 alleles (0.000062%); highest among the groups gnomAD compares: South Asian, 0.0011%; no homozygotes.

Submission:

Labcorp Genetics (formerly Invitae), Labcorp
Classification: Uncertain significance. Last evaluated: 2025-02-04. Review status: criteria provided, single submitter. Criteria: Invitae Variant Classification Sherloc (09022015). Collection method: clinical testing. Allele origin: germline.
Comment: This sequence change replaces isoleucine, which is neutral and non-polar, with phenylalanine, which is neutral and non-polar, at codon 285 of the IMPDH1 protein (p.Ile285Phe). This variant is not present in population databases (gnomAD no frequency). This variant has not been reported in the literature in individuals affected with IMPDH1-related conditions. An algorithm developed to predict the effect of missense changes on protein structure and function (PolyPhen-2) suggests that this variant is likely to be disruptive. In summary, the available evidence is currently insufficient to determine the role of this variant in disease. Therefore, it has been classified as a Variant of Uncertain Significance.